The following is an entry in ClinVar:

ClinVar aggregate classification (germline): Uncertain significance (1 of 4 stars; one submission).

Submission:

Ambry Genetics
Classification: Uncertain significance. Last evaluated: 2025-08-02. Review status: criteria provided, single submitter. Criteria: Ambry Variant Classification Scheme 2023. Collection method: clinical testing. Allele origin: germline.
Comment: The p.V613A variant (also known as c.1838T>C), located in coding exon 1 of the MLH3 gene, results from a T to C substitution at nucleotide position 1838. The valine at codon 613 is replaced by alanine, an amino acid with similar properties. This amino acid position is conserved. In addition, this alteration is predicted to be tolerated by in silico analysis. Based on the available evidence, the clinical significance of this variant remains unclear.

NM_001040108.2(MLH3):c.1838T>C (p.Val613Ala)

Gene: MLH3 (mutL homolog 3; minus strand). Cytogenetic location: 14q24.3.
Variant type: single nucleotide variant.
Coding change: c.1838T>C on transcript NM_001040108.2 (MANE Select); coding-DNA position 1838, T replaced by C.
Protein change: p.Val613Ala; replaces valine 613 with alanine.
Molecular consequence: missense variant.
Genome position (GRCh38, 1-based): chr14:75,047,818, A>G on the plus strand (T>C on the coding strand, the complement: MLH3 is on the minus strand). VCF-style: chr14-75047818-A-G. GRCh37 (hg19) VCF-style: chr14-75514521-A-G.
Other names: c.1838T>C, p.Val613Ala (NM_014381.3); short protein forms V613A.
Identifiers: ClinVar variation 4108654 (VCV004108654.1).
Genomic context (GRCh38, chr14:75,047,818, plus strand): 5'-GGTCTAACATAATTTTTAAATGAATGTTCTGTTTCAGTTGATTTAGTTTTTTCATTTTGT[A>G]CTACATGAGTTATAAAGCCAGTGGAACATAATTTAACTCGCCCATAACTAAAAACATTTC-3'
Protein context (NP_001035197.1, residues 603-623): LCSTGFITHV[Val613Ala]QNEKTKSTET